The following is an entry in ClinVar:

ClinVar aggregate classification (germline): Uncertain significance (1 of 4 stars; one submission).

Conditions:
Stormorken syndrome (STRMK). Also called: THROMBOCYTOPATHY, ASPLENIA, AND MIOSIS. Identifiers: Orphanet 3204, MedGen C1861451, MONDO:0008497, OMIM 185070.
Myopathy with tubular aggregates (TAM). Also called: Tubular Aggregate Myopathy. Identifiers: Orphanet 2593, MedGen C0410207, MONDO:0008051.
Combined immunodeficiency due to STIM1 deficiency. Also called: STIM1 DEFICIENCY; IMMUNODEFICIENCY 10. Identifiers: Orphanet 169090, Orphanet 317430, MedGen C2748557, MONDO:0013008, OMIM 612783.

Submission:

Labcorp Genetics (formerly Invitae), Labcorp
Classification: Uncertain significance for Myopathy with tubular aggregates; Combined immunodeficiency due to STIM1 deficiency; Stormorken syndrome. Last evaluated: 2024-10-05. Review status: criteria provided, single submitter. Criteria: Invitae Variant Classification Sherloc (09022015). Collection method: clinical testing. Allele origin: germline.
Comment: This sequence change replaces isoleucine, which is neutral and non-polar, with threonine, which is neutral and polar, at codon 142 of the STIM1 protein (p.Ile142Thr). This variant is not present in population databases (gnomAD no frequency). This variant has not been reported in the literature in individuals affected with STIM1-related conditions. Invitae Evidence Modeling of protein sequence and biophysical properties (such as structural, functional, and spatial information, amino acid conservation, physicochemical variation, residue mobility, and thermodynamic stability) has been performed for this missense variant. However, the output from this modeling did not meet the statistical confidence thresholds required to predict the impact of this variant on STIM1 protein function. In summary, the available evidence is currently insufficient to determine the role of this variant in disease. Therefore, it has been classified as a Variant of Uncertain Significance.

NM_001382567.1(STIM1):c.425T>C (p.Ile142Thr)

Gene: STIM1 (stromal interaction molecule 1; plus strand). Cytogenetic location: 11p15.4.
Variant type: single nucleotide variant.
Coding change: c.425T>C on transcript NM_001382567.1 (MANE Select); coding-DNA position 425, T replaced by C.
Protein change: p.Ile142Thr; replaces isoleucine 142 with threonine.
Molecular consequence: missense variant. On other transcripts: 5 prime UTR variant (2), non-coding transcript variant (3), intron variant (2).
Genome position (GRCh38, 1-based): chr11:4,055,565, T>C. VCF-style: chr11-4055565-T-C. GRCh37 (hg19) VCF-style: chr11-4076795-T-C.
Other names: c.290T>C, p.Ile97Thr (NM_001382569.1); c.425T>C, p.Ile142Thr (NM_001382572.1, NM_001277961.3, NM_001277962.2 and 2 more transcripts); c.203T>C, p.Ile68Thr (NM_001382573.1, NM_001382574.1, NM_001382575.1 and 5 more transcripts); c.-65T>C (NM_001382580.1, NM_001382581.1); c.386-14461T>C (NM_001382570.1); c.18-3716T>C (NM_001382571.1); short protein forms I142T, I68T, I97T.
Identifiers: ClinVar variation 3748752 (VCV003748752.2).